The following is an entry in ClinVar:

NM_005591.4(MRE11):c.1820A>C (p.Asn607Thr)

Gene: MRE11 (MRE11 double strand break repair nuclease; minus strand). Cytogenetic location: 11q21.
Variant type: single nucleotide variant.
Coding change: c.1820A>C on transcript NM_005591.4 (MANE Select); coding-DNA position 1820, A replaced by C.
Protein change: p.Asn607Thr; replaces asparagine 607 with threonine.
Molecular consequence: missense variant. On other transcripts: intron variant (1).
Genome position (GRCh38, 1-based): chr11:94,445,857, T>G on the plus strand (A>C on the coding strand, the complement: MRE11 is on the minus strand). VCF-style: chr11-94445857-T-G. GRCh37 (hg19) VCF-style: chr11-94179023-T-G.
Other names: c.1817A>C, p.Asn606Thr (NM_001330347.2); c.1783+1362A>C (NM_005590.4); short protein forms N607T, N606T.
Identifiers: ClinVar variation 3874309 (VCV003874309.1).
Genomic context (GRCh38, chr11:94,445,857, plus strand): 5'-AGTCTATACTCACCATCTATAATAGACATATTTCTAGATGCTGACACAGCAGTCTTTGAG[T>G]TCCTGCTACGGGTAGAAGTCTCCAGACCAGTGTCTGCTGTTAGAAAAATGAACAGTCAAT-3'
Protein context (NP_005582.1, residues 597-617): TGLETSTRSR[Asn607Thr]SKTAVSASRN

ClinVar aggregate classification (germline): Uncertain significance (1 of 4 stars; one submission).

Conditions:
Hereditary cancer-predisposing syndrome. Also called: Tumor predisposition; Neoplastic Syndromes, Hereditary; Hereditary Cancer Syndrome; Hereditary neoplastic syndrome. Identifiers: Orphanet 140162, MedGen C0027672, MeSH D009386, MONDO:0015356.

gnomAD v4.1: 1 of 1,613,808 alleles (0.000062%); highest among the groups gnomAD compares: Non-Finnish European, 0.000085%; no homozygotes.

Submission:

Ambry Genetics
Classification: Uncertain significance for Hereditary cancer-predisposing syndrome. Last evaluated: 2024-12-12. Review status: criteria provided, single submitter. Criteria: Ambry Variant Classification Scheme 2023. Collection method: clinical testing. Allele origin: germline.
Comment: The p.N607T variant (also known as c.1820A>C), located in coding exon 15 of the MRE11A gene, results from an A to C substitution at nucleotide position 1820. The asparagine at codon 607 is replaced by threonine, an amino acid with similar properties. This amino acid position is conserved. In addition, this alteration is predicted to be tolerated by in silico analysis. Based on the available evidence, the clinical significance of this variant remains unclear.